The following is an entry in ClinVar:

ClinVar aggregate classification (germline): Likely pathogenic (1 of 4 stars; one submission).

Conditions:
LAMA2-related muscular dystrophy (LAMA2-RD). Also called: Laminin alpha 2-related dystrophy. Identifiers: MedGen C5679788, MONDO:0100228.

Submission:

Labcorp Genetics (formerly Invitae), Labcorp
Classification: Likely pathogenic for LAMA2-related muscular dystrophy. Last evaluated: 2022-09-07. Review status: criteria provided, single submitter. Criteria: Invitae Variant Classification Sherloc (09022015). Collection method: clinical testing. Allele origin: germline.
Comment: In summary, the currently available evidence indicates that the variant is pathogenic, but additional data are needed to prove that conclusively. Therefore, this variant has been classified as Likely Pathogenic. Algorithms developed to predict the effect of sequence changes on RNA splicing suggest that this variant may disrupt the consensus splice site. ClinVar contains an entry for this variant (Variation ID: 1512433). Disruption of this splice site has been observed in individual(s) with LAMA2-related conditions (Invitae). This variant is not present in population databases (gnomAD no frequency). This sequence change affects a splice site in intron 12 of the LAMA2 gene. It is expected to disrupt RNA splicing. Variants that disrupt the donor or acceptor splice site typically lead to a loss of protein function (PMID: 16199547), and loss-of-function variants in LAMA2 are known to be pathogenic (PMID: 18700894, 32904964).

Literature cited by the submitters: PubMed 16199547; PubMed 18700894; PubMed 32904964.

NM_000426.4(LAMA2):c.1782+2_1782+4del

Gene: LAMA2 (laminin subunit alpha 2; plus strand). Cytogenetic location: 6q22.33.
Variant type: Deletion.
Coding change: c.1782+2_1782+4del on transcript NM_000426.4 (MANE Select); the canonical splice donor site of the intron after coding-DNA position 1782 through 4 bases into the intron after coding-DNA position 1782, 3 bases deleted (TAA; older notation c.1782+2_1782+4delTAA).
Molecular consequence: splice donor variant.
Genome position (GRCh38, 1-based): chr6:129,192,855-129,192,857, TAA deleted. VCF-style (leftmost placement, unchanged base first): chr6-129192854-GTAA-G. GRCh37 (hg19) VCF-style: chr6-129513999-GTAA-G.
Other names: c.1782+2_1782+4del (NM_001079823.2).
Identifiers: ClinVar variation 1512433 (VCV001512433.6), dbSNP rs2115037261, ClinGen allele CA2573140441.